The following is an entry in ClinVar:

ClinVar aggregate classification (germline): Likely pathogenic (1 of 4 stars; one submission).

Conditions:
Hereditary spastic paraplegia 15 (SPG15). Also called: SPASTIC PARAPLEGIA 15, AUTOSOMAL RECESSIVE; KJELLIN SYNDROME; SPASTIC PARAPLEGIA AND RETINAL DEGENERATION. Identifiers: Orphanet 100996, MedGen C1849128, MONDO:0010044, OMIM 270700.

Submission:

Myriad Genetics, Inc.
Classification: Likely pathogenic for Hereditary spastic paraplegia 15. Last evaluated: 2022-05-18. Review status: criteria provided, single submitter. Criteria: Myriad Women's Health Autosomal Recessive and X-Linked Classification Criteria (2021). Collection method: clinical testing. Allele origin: unknown.
Comment: NM_015346.3(ZFYVE26):c.6004dupT(C2002Lfs*2) is expected to be pathogenic in the context of spastic paraplegia type 15. This variant is predicted to lead to an abnormal or absent protein product due to the creation of a premature termination codon in ZFYVE26, a gene where loss-of-function variants are known to be pathogenic. Please note: this variant was assessed in the context of healthy population screening.

NM_015346.4(ZFYVE26):c.6004dup (p.Cys2002fs)

Gene: ZFYVE26 (zinc finger FYVE-type containing 26; minus strand). Cytogenetic location: 14q24.1.
Variant type: Duplication.
Coding change: c.6004dup on transcript NM_015346.4 (MANE Select); coding-DNA position 6004, one base duplicated (T; older notation c.6004dupT).
Protein change: p.Cys2002fs; shifts the reading frame from cysteine 2002.
Molecular consequence: frameshift variant.
Genome position (GRCh38, 1-based): chr14:67,766,234, A duplicated on the plus strand (T on the coding strand, the reverse complement: ZFYVE26 is on the minus strand); the first of 3 consecutive A bases (chr14:67,766,234-67,766,236); duplicating any one gives the same sequence. VCF-style (leftmost placement, unchanged base first): chr14-67766233-C-CA. GRCh37 (hg19) VCF-style: chr14-68232950-C-CA.
Other names: short protein forms C2002fs.
Identifiers: ClinVar variation 1726103 (VCV001726103.2), dbSNP rs2503978993, ClinGen allele CA2580088641.